The following is an entry in ClinVar:

NM_001127715.4(STXBP5):c.1080A>G (p.Gln360=)

Gene: STXBP5 (syntaxin binding protein 5; plus strand). Cytogenetic location: 6q24.3.
Variant type: single nucleotide variant.
Coding change: c.1080A>G on transcript NM_001127715.4 (MANE Select); coding-DNA position 1080, A replaced by G.
Protein change: p.Gln360=; no amino-acid change (glutamine 360 retained).
Molecular consequence: synonymous variant.
Genome position (GRCh38, 1-based): chr6:147,311,462, A>G. VCF-style: chr6-147311462-A-G. GRCh37 (hg19) VCF-style: chr6-147632598-A-G.
Other names: c.1080A>G, p.Gln360= (NM_001394409.1, NM_139244.6).
Identifiers: ClinVar variation 3046143 (VCV003046143.2), dbSNP rs369824467, ClinGen allele CA4038933.

ClinVar aggregate classification (germline): Likely benign (0 of 4 stars; one submission).

Conditions:
STXBP5-related disorder. Also called: STXBP5-related condition.

Allele frequency attached by ClinVar (database versions not stated): TOPMed 0.00014; ESP Exome Variant Server 0.00015; gnomAD 0.00015; gnomAD exomes 0.00016.
gnomAD v4.1: 256 of 1,611,832 alleles (0.016%); highest among the groups gnomAD compares: Non-Finnish European, 0.02%; no homozygotes.

Submission:

PreventionGenetics, part of Exact Sciences
Classification: Likely benign for STXBP5-related condition. Last evaluated: 2024-01-28. Review status: no assertion criteria provided. Collection method: clinical testing. Allele origin: germline.
Comment: This variant is classified as likely benign based on ACMG/AMP sequence variant interpretation guidelines (Richards et al. 2015 PMID: 25741868, with internal and published modifications).